The following is an entry in ClinVar:

ClinVar aggregate classification (germline): Conflicting classifications of pathogenicity. Review status: criteria provided, conflicting classifications (1 of 4 stars). 6 submissions from 6 submitters: Likely pathogenic (1); Uncertain significance (4). 1 of the submissions does not count toward it. Last evaluated 2024-11-01.

Conditions:
Hereditary breast ovarian cancer syndrome. Also called: Breast and ovarian cancer; Hereditary breast and ovarian cancer; Hereditary breast and ovarian cancer syndrome; Hereditary breast and/or ovarian cancer syndrome; BRCA1- and BRCA2-Associated Hereditary Breast and Ovarian Cancer; Hereditary breast and ovarian cancer syndrome (HBOC). Identifiers: Orphanet 145, MedGen C0677776, MeSH D061325, MONDO:0003582. Disease mechanism: loss of function.
Breast-ovarian cancer, familial, susceptibility to, 1 (BROVCA1). Also called: BRCA1 Hereditary Breast and Ovarian Cancer; OVARIAN CANCER, SUSCEPTIBILITY TO. Identifiers: Orphanet 145, MedGen C2676676, MONDO:0011450, OMIM 604370. Disease mechanism: loss of function.
Hereditary cancer-predisposing syndrome. Also called: Tumor predisposition; Hereditary Cancer Syndrome; Neoplastic Syndromes, Hereditary; Hereditary neoplastic syndrome. Identifiers: Orphanet 140162, MedGen C0027672, MeSH D009386, MONDO:0015356.

Submissions (7):

Ambry Genetics
Classification: Uncertain significance for Hereditary cancer-predisposing syndrome. Last evaluated: 2024-11-01. Review status: criteria provided, single submitter. Criteria: Ambry Variant Classification Scheme 2023. Collection method: clinical testing. Allele origin: germline.
Comment: The p.T1681P variant (also known as c.5041A>C), located in coding exon 15 of the BRCA1 gene, results from an A to C substitution at nucleotide position 5041. The threonine at codon 1681 is replaced by proline, an amino acid with highly similar properties. One functional study found that this nucleotide substitution is non-functional in a high-throughput, genome editing, haploid cell survival assay (Findlay GM et al. Nature, 2018 10;562:217-222). This amino acid position is well conserved in available vertebrate species. In addition, the in silico prediction for this alteration is inconclusive. Since supporting evidence is limited at this time, the clinical significance of this alteration remains unclear.

GeneDx
Classification: Likely pathogenic. Last evaluated: 2024-02-20. Review status: criteria provided, single submitter. Criteria: GeneDx Variant Classification Process June 2021. Collection method: clinical testing. Allele origin: germline. Affected: yes.
Comment: Observed in individuals undergoing multi-gene panel testing based on personal and family history of cancer (PMID: 31853058); In silico analysis supports that this missense variant has a deleterious effect on protein structure/function; Not observed at significant frequency in large population cohorts (gnomAD); Also known as 5160A>C; This variant is associated with the following publications: (PMID: 30209399, 32377563, 31853058, 29884841, 37731132, 25348405, 36922933)

Labcorp Genetics (formerly Invitae), Labcorp
Classification: Uncertain significance for Hereditary breast ovarian cancer syndrome. Last evaluated: 2023-11-16. Review status: criteria provided, single submitter. Criteria: Invitae Variant Classification Sherloc (09022015). Collection method: clinical testing. Allele origin: germline.
Comment: This sequence change replaces threonine, which is neutral and polar, with proline, which is neutral and non-polar, at codon 1681 of the BRCA1 protein (p.Thr1681Pro). This variant is not present in population databases (gnomAD no frequency). This variant has not been reported in the literature in individuals affected with BRCA1-related conditions. ClinVar contains an entry for this variant (Variation ID: 231712). Advanced modeling performed at Invitae incorporating data from internal and/or published experimental studies (PMID: 30209399) indicates that this missense variant is expected to disrupt BRCA1 function with a positive predictive value of 95%. In summary, the available evidence is currently insufficient to determine the role of this variant in disease. Therefore, it has been classified as a Variant of Uncertain Significance.

Baylor Genetics
Classification: Uncertain significance for Breast-ovarian cancer, familial, susceptibility to, 1. Last evaluated: 2023-06-23. Review status: criteria provided, single submitter. Criteria: ACMG Guidelines, 2015. Collection method: clinical testing. Allele origin: unknown.

Women's Health and Genetics/Laboratory Corporation of America, LabCorp
Classification: Uncertain significance. Last evaluated: 2016-06-27. Review status: criteria provided, single submitter. Criteria: LabCorp Variant Classification Summary - May 2015. Collection method: clinical testing. Allele origin: germline.
Comment: Variant summary: The BRCA1 c.5041A>C (p.Thr1681Pro) variant involves the alteration of a conserved nucleotide. 3/4 in silico tools predict a damaging outcome (SNPs&GO not captured due to low reliability index). This variant is absent in 121312 control chromosomes. The variant of interest has not, to our knowledge, been reported in affected individuals via publications and/or reputable databases/clinical diagnostic laboratories; nor evaluated for functional impact by in vivo/vitro studies. A clinical diagnostic laboratory classified this variant as VUS. Because of the absence of clinical information and the lack of functional studies, the variant was classified as a variant of uncertain significance (VUS) until additional information becomes available.

BRCAlab, Lund University
Classification: Uncertain significance for Breast-ovarian cancer, familial, susceptibility to, 1. Last evaluated: 2020-03-02. Review status: no assertion criteria provided. Collection method: clinical testing. Allele origin: germline. Affected: yes. Not counted in ClinVar's aggregate classification.

Brotman Baty Institute, University of Washington
No classification provided (evidence only). Condition: Breast-ovarian cancer, familial 1. Review status: no classification provided. Collection method: in vitro. Allele origin: not applicable. Functional consequence: functionally_abnormal. Not counted in ClinVar's aggregate classification.
ClinVar note: "not provided" was previously submitted as the classification for the variant. However, the classification appeared to be based only on an observation of functional data so it was converted to no classification on 2025-07-30.

Literature cited by the submitters: PubMed 30209399 (cited by Ambry Genetics and Labcorp Genetics (formerly Invitae), Labcorp).

NM_007294.4(BRCA1):c.5041A>C (p.Thr1681Pro)

Gene: BRCA1 (BRCA1 DNA repair associated; minus strand). Cytogenetic location: 17q21.31.
Variant type: single nucleotide variant.
Coding change: c.5041A>C on transcript NM_007294.4 (MANE Select); coding-DNA position 5041, A replaced by C.
Protein change: p.Thr1681Pro; replaces threonine 1681 with proline.
Molecular consequence: missense variant. On other transcripts: non-coding transcript variant (1).
Genome position (GRCh38, 1-based): chr17:43,067,641, T>G on the plus strand (A>C on the coding strand, the complement: BRCA1 is on the minus strand). VCF-style: chr17-43067641-T-G. GRCh37 (hg19) VCF-style: chr17-41219658-T-G.
Other names: c.4777A>C, p.Thr1593Pro (NM_001407921.1, NM_001407922.1, NM_001407920.1 and 4 more transcripts); c.4774A>C, p.Thr1592Pro (NM_001407933.1, NM_001407927.1, NM_001407928.1 and 4 more transcripts); c.4771A>C, p.Thr1591Pro (NM_001407934.1, NM_001407935.1, NM_001407936.1); c.4918A>C, p.Thr1640Pro (NM_001407937.1, NM_001407938.1, NM_001407664.1 and 6 more transcripts); c.4915A>C, p.Thr1639Pro (NM_001407939.1, NM_001407940.1, NM_001407677.1 and 11 more transcripts); c.4912A>C, p.Thr1638Pro (NM_001407941.1, NM_001407681.1, NM_001407682.1 and 6 more transcripts); c.4705A>C, p.Thr1569Pro (NM_001407952.1, NM_001407953.1, NM_001407954.1 and 3 more transcripts); c.4702A>C, p.Thr1568Pro (NM_001407956.1, NM_001407957.1, NM_001407958.1); and 70 more; short protein forms T1681P, T1634P, T577P, T1702P, T1591P, T1611P, T1614P, T1655P.
Identifiers: ClinVar variation 231712 (VCV000231712.21), dbSNP rs876659314, ClinGen allele CA10580500.